The following is an entry in ClinVar:

NM_022455.5(NSD1):c.7046C>G (p.Pro2349Arg)

Gene: NSD1 (nuclear receptor binding SET domain protein 1; plus strand). Cytogenetic location: 5q35.3.
Variant type: single nucleotide variant.
Coding change: c.7046C>G on transcript NM_022455.5 (MANE Select); coding-DNA position 7046, C replaced by G.
Protein change: p.Pro2349Arg; replaces proline 2349 with arginine.
Molecular consequence: missense variant.
Genome position (GRCh38, 1-based): chr5:177,294,414, C>G. VCF-style: chr5-177294414-C-G. GRCh37 (hg19) VCF-style: chr5-176721415-C-G.
Other names: c.6173C>G, p.Pro2058Arg (NM_001365684.2, NM_001409308.1, NM_172349.5); c.7046C>G, p.Pro2349Arg (NM_001409301.1, NM_001409302.1, NM_001409303.1); c.6626C>G, p.Pro2209Arg (NM_001409304.1); c.6293C>G, p.Pro2098Arg (NM_001409305.1); c.6284C>G, p.Pro2095Arg (NM_001409306.1, NM_001409307.1); c.5924C>G, p.Pro1975Arg (NM_001409309.1); short protein forms P2098R, P2209R, P2349R, P1975R, P2058R, P2095R, P2080R.
Identifiers: ClinVar variation 1756853 (VCV001756853.5), dbSNP rs779466806, ClinGen allele CA3578078.

ClinVar aggregate classification (germline): Conflicting classifications of pathogenicity. Review status: criteria provided, conflicting classifications (1 of 4 stars). 3 submissions from 3 submitters: Uncertain significance (1); Benign (1); Likely benign (1). Last evaluated 2025-06-12.

Conditions:
Inborn genetic diseases. Identifiers: MedGen C0950123, MeSH D030342.

Allele frequency attached by ClinVar (database versions not stated): TOPMed below 0.00001; ExAC 0.00001; gnomAD 0.00003.
gnomAD v4.1: 10 of 1,614,052 alleles (0.00062%); highest among the groups gnomAD compares: African/African-American, 0.012%; no homozygotes.

Submissions (3):

Labcorp Genetics (formerly Invitae), Labcorp
Classification: Benign. Last evaluated: 2025-06-12. Review status: criteria provided, single submitter. Criteria: Invitae Variant Classification Sherloc (09022015). Collection method: clinical testing. Allele origin: germline.

GeneDx
Classification: Uncertain significance. Last evaluated: 2023-02-19. Review status: criteria provided, single submitter. Criteria: GeneDx Variant Classification Process June 2021. Collection method: clinical testing. Allele origin: germline. Affected: yes.
Comment: In silico analysis supports that this missense variant does not alter protein structure/function; Has not been previously published as pathogenic or benign to our knowledge

Ambry Genetics
Classification: Likely benign for Inborn genetic diseases. Last evaluated: 2019-08-01. Review status: criteria provided, single submitter. Criteria: Ambry Variant Classification Scheme 2023. Collection method: clinical testing. Allele origin: germline.